The following is an entry in ClinVar:

NM_020937.4(FANCM):c.746G>T (p.Gly249Val)

Gene: FANCM (FA complementation group M; plus strand). Cytogenetic location: 14q21.2.
Variant type: single nucleotide variant.
Coding change: c.746G>T on transcript NM_020937.4 (MANE Select); coding-DNA position 746, G replaced by T.
Protein change: p.Gly249Val; replaces glycine 249 with valine.
Molecular consequence: missense variant. On other transcripts: intron variant (1).
Genome position (GRCh38, 1-based): chr14:45,140,696, G>T. VCF-style: chr14-45140696-G-T. GRCh37 (hg19) VCF-style: chr14-45609899-G-T.
Other names: c.746G>T, p.Gly249Val (NM_001308134.2); c.681+3455G>T (NM_001308133.2); short protein forms G249V.
Identifiers: ClinVar variation 4254729 (VCV004254729.1).
Genomic context (GRCh38, chr14:45,140,696, plus strand): 5'-TAAGAGAACTAGTCAAATATACAAATCACTTTAGAATCTTGGCTCTAAGTGCCACACCAG[G>T]TAGTGATATAAAGGTAAGTAAAATGTTTTTCCATTTATTACAGTTAAGAAAATAAAGCTT-3'
Protein context (NP_065988.1, residues 239-259): FRILALSATP[Gly249Val]SDIKAVQQVI

ClinVar aggregate classification (germline): Uncertain significance (1 of 4 stars; one submission).

Conditions:
Inborn genetic diseases. Identifiers: MedGen C0950123, MeSH D030342.

Submission:

Ambry Genetics
Classification: Uncertain significance for Inborn genetic diseases. Last evaluated: 2025-08-31. Review status: criteria provided, single submitter. Criteria: Ambry Variant Classification Scheme 2023. Collection method: clinical testing. Allele origin: germline.
Comment: The p.G249V variant (also known as c.746G>T), located in coding exon 3 of the FANCM gene, results from a G to T substitution at nucleotide position 746. The glycine at codon 249 is replaced by valine, an amino acid with dissimilar properties. This amino acid position is conserved. In addition, this alteration is predicted to be deleterious by in silico analysis. Based on the available evidence, the clinical significance of this variant remains unclear.